The following is an entry in ClinVar:

ClinVar aggregate classification (germline): Uncertain significance. Review status: criteria provided, multiple submitters, no conflicts (2 of 4 stars). 2 submissions from 2 submitters: Uncertain significance (2). Last evaluated 2025-01-23.

Conditions:
Familial adenomatous polyposis 1 (FAP1). Also called: POLYPOSIS, ADENOMATOUS INTESTINAL; FAMILIAL ADENOMATOUS POLYPOSIS 1, ATTENUATED. Identifiers: MedGen C2713442, MONDO:0021056, OMIM 175100. Disease mechanism: loss of function.

Submissions (2):

Mayo Clinic Laboratories, Mayo Clinic
Classification: Uncertain significance. Last evaluated: 2025-01-23. Review status: criteria provided, single submitter. Criteria: ACMG Guidelines, 2015. Collection method: clinical testing. Allele origin: germline. Observed: 1 variant allele.
Comment: PM2_supporting

Labcorp Genetics (formerly Invitae), Labcorp
Classification: Uncertain significance for Familial adenomatous polyposis 1. Last evaluated: 2023-05-25. Review status: criteria provided, single submitter. Criteria: Invitae Variant Classification Sherloc (09022015). Collection method: clinical testing. Allele origin: germline.
Comment: In summary, the available evidence is currently insufficient to determine the role of this variant in disease. Therefore, it has been classified as a Variant of Uncertain Significance. Advanced modeling of protein sequence and biophysical properties (such as structural, functional, and spatial information, amino acid conservation, physicochemical variation, residue mobility, and thermodynamic stability) performed at Invitae indicates that this missense variant is not expected to disrupt APC protein function. This variant has not been reported in the literature in individuals affected with APC-related conditions. This variant is not present in population databases (gnomAD no frequency). This sequence change replaces tyrosine, which is neutral and polar, with asparagine, which is neutral and polar, at codon 2007 of the APC protein (p.Tyr2007Asn).

NM_000038.6(APC):c.6019T>A (p.Tyr2007Asn)

Gene: APC (APC regulator of Wnt signaling pathway; plus strand). Cytogenetic location: 5q22.2.
Variant type: single nucleotide variant.
Coding change: c.6019T>A on transcript NM_000038.6 (MANE Select); coding-DNA position 6019, T replaced by A.
Protein change: p.Tyr2007Asn; replaces tyrosine 2007 with asparagine.
Molecular consequence: missense variant. On other transcripts: non-coding transcript variant (2).
Genome position (GRCh38, 1-based): chr5:112,841,613, T>A. VCF-style: chr5-112841613-T-A. GRCh37 (hg19) VCF-style: chr5-112177310-T-A.
Other names: p.Tyr2007Asn; c.6019T>A, p.Tyr2007Asn (NM_001127510.3, NM_001354895.2, NM_001407450.1); c.5965T>A, p.Tyr1989Asn (NM_001127511.3); c.6073T>A, p.Tyr2025Asn (NM_001354896.2, NM_001407447.1, NM_001407448.1 and 1 more transcripts); c.6049T>A, p.Tyr2017Asn (NM_001354897.2); c.5944T>A, p.Tyr1982Asn (NM_001354898.2); c.5935T>A, p.Tyr1979Asn (NM_001354899.2); c.5896T>A, p.Tyr1966Asn (NM_001354900.2); and 12 more; short protein forms Y1881N, Y1906N, Y1948N, Y1724N, Y1966N, Y1979N, Y1997N, Y2007N.
Identifiers: ClinVar variation 2919316 (VCV002919316.4), dbSNP rs745811356, ClinGen allele CA16034502.